The following is an entry in ClinVar:

NM_001448.3(GPC4):c.922A>G (p.Ile308Val)

Gene: GPC4 (glypican 4; minus strand). Cytogenetic location: Xq26.2.
Variant type: single nucleotide variant.
Coding change: c.922A>G on transcript NM_001448.3 (MANE Select); coding-DNA position 922, A replaced by G.
Protein change: p.Ile308Val; replaces isoleucine 308 with valine.
Molecular consequence: missense variant.
Genome position (GRCh38, 1-based): chrX:133,306,110, T>C on the plus strand (A>G on the coding strand, the complement: GPC4 is on the minus strand). VCF-style: chrX-133306110-T-C. GRCh37 (hg19) VCF-style: chrX-132440138-T-C.
Other names: short protein forms I308V.
Identifiers: ClinVar variation 2501615 (VCV002501615.1), dbSNP rs2520401026, ClinGen allele CA414692344.

ClinVar aggregate classification (germline): Uncertain significance (1 of 4 stars; one submission).

Allele frequency attached by ClinVar (database versions not stated): gnomAD exomes below 0.00001.
gnomAD v4.1: 1 of 1,210,944 alleles (0.000083%); highest among the groups gnomAD compares: Non-Finnish European, 0.00011%; no homozygotes.

Submission:

GeneDx
Classification: Uncertain significance. Last evaluated: 2022-11-04. Review status: criteria provided, single submitter. Criteria: GeneDx Variant Classification Process June 2021. Collection method: clinical testing. Allele origin: germline. Affected: yes.
Comment: Not observed at significant frequency in large population cohorts (gnomAD); In silico analysis supports that this missense variant does not alter protein structure/function; Has not been previously published as pathogenic or benign to our knowledge